The following is an entry in ClinVar:

NM_001379500.1(COL18A1):c.1452+1G>T

Gene: COL18A1 (collagen type XVIII alpha 1 chain; plus strand). Cytogenetic location: 21q22.3.
Variant type: single nucleotide variant.
Coding change: c.1452+1G>T on transcript NM_001379500.1 (MANE Select); the canonical splice donor site of the intron after coding-DNA position 1452, G replaced by T.
Molecular consequence: splice donor variant.
Genome position (GRCh38, 1-based): chr21:45,480,521, G>T. VCF-style: chr21-45480521-G-T. GRCh37 (hg19) VCF-style: chr21-46900435-G-T.
Other names: c.2697+1G>T (NM_130444.3); c.1992+1G>T (NM_030582.4).
Identifiers: ClinVar variation 2128682 (VCV002128682.4), dbSNP rs1167407832, ClinGen allele CA410517332.
Genomic context (GRCh38, chr21:45,480,521, plus strand): 5'-CCTCAGACCTTCATTGACATGGAGGGATCTGGCTTCGGGGGCGATCTGGAGGCCCTGCGG[G>T]TGAGTGGCCCTTAAACTGCAGCGCTGCCCGATGTCTGTGCCCATGAGGAACAGGCCATGG-3'

ClinVar aggregate classification (germline): Likely pathogenic (1 of 4 stars; one submission).

gnomAD v4.1: 4 of 1,614,126 alleles (0.00025%); highest among the groups gnomAD compares: African/African-American, 0.0027%; no homozygotes.

Submission:

Labcorp Genetics (formerly Invitae), Labcorp
Classification: Likely pathogenic. Last evaluated: 2022-04-21. Review status: criteria provided, single submitter. Criteria: Invitae Variant Classification Sherloc (09022015). Collection method: clinical testing. Allele origin: germline.
Comment: This variant is not present in population databases (gnomAD no frequency). In summary, the currently available evidence indicates that the variant is pathogenic, but additional data are needed to prove that conclusively. Therefore, this variant has been classified as Likely Pathogenic. Algorithms developed to predict the effect of sequence changes on RNA splicing suggest that this variant may disrupt the consensus splice site. This variant has not been reported in the literature in individuals affected with COL18A1-related conditions. This sequence change affects a donor splice site in intron 12 of the COL18A1 gene. It is expected to disrupt RNA splicing. Variants that disrupt the donor or acceptor splice site typically lead to a loss of protein function (PMID: 16199547), and loss-of-function variants in COL18A1 are known to be pathogenic (PMID: 12415512, 25456301).

Literature cited by the submitters: PubMed 16199547; PubMed 12415512; PubMed 25456301.